The following is an entry in ClinVar:

ClinVar aggregate classification (germline): Benign. Review status: criteria provided, multiple submitters, no conflicts (2 of 4 stars). 7 submissions from 7 submitters: Benign (7). Last evaluated 2026-05-11.

Conditions:
Holoprosencephaly 9 (HPE9). Also called: HOLOPROSENCEPHALY WITH MICROPHTHALMIA AND FIRST BRANCHIAL ARCH ANOMALIES; PITUITARY ANOMALIES WITH HOLOPROSENCEPHALY-LIKE FEATURES. Identifiers: Orphanet 2162, MedGen C1835819, MONDO:0012563, OMIM 610829.
Postaxial polydactyly-anterior pituitary anomalies-facial dysmorphism syndrome. Also called: Culler-Jones syndrome. Identifiers: Orphanet 420584, MedGen C4014479, MONDO:0014369, OMIM 615849.

Allele frequency attached by ClinVar (database versions not stated): gnomAD exomes 0.00563 and 0.00235; gnomAD 0.02616 and 0.02425; ESP Exome Variant Server 0.02211; 1000 Genomes Project 0.02716; TOPMed 0.02843; 1000 Genomes Project 30x 0.02920; ExAC 0.01334.
gnomAD v4.1: 7,091 of 1,546,484 alleles (0.46%); highest among the groups gnomAD compares: African/African-American, 8.6%; 292 homozygotes.

Submissions (7):

Women's Health and Genetics/Laboratory Corporation of America, LabCorp
Classification: Benign. Last evaluated: 2026-05-11. Review status: criteria provided, single submitter. Criteria: LabCorp Variant Classification Summary - May 2015. Collection method: clinical testing. Allele origin: germline.

Labcorp Genetics (formerly Invitae), Labcorp
Classification: Benign for Postaxial polydactyly-anterior pituitary anomalies-facial dysmorphism syndrome; Holoprosencephaly 9. Last evaluated: 2026-01-18. Review status: criteria provided, single submitter. Criteria: Invitae Variant Classification Sherloc (09022015). Collection method: clinical testing. Allele origin: germline.

GeneDx
Classification: Benign. Last evaluated: 2018-10-11. Review status: criteria provided, single submitter. Criteria: GeneDx Variant Classification Process June 2021. Collection method: clinical testing. Allele origin: germline. Affected: yes.

Illumina Laboratory Services, Illumina
Classification: Benign for Holoprosencephaly 9. Last evaluated: 2018-01-13. Review status: criteria provided, single submitter. Criteria: ICSL Variant Classification Criteria 13 December 2019. Collection method: clinical testing. Allele origin: germline.
Comment: This variant was observed in the ICSL laboratory as part of a predisposition screen in an ostensibly healthy population. It had not been previously curated by ICSL or reported in the Human Gene Mutation Database (HGMD: prior to June 1st, 2018), and was therefore a candidate for classification through an automated scoring system. Utilizing variant allele frequency, disease prevalence and penetrance estimates, and inheritance mode, an automated score was calculated to assess if this variant is too frequent to cause the disease. Based on the score and internal cut-off values, a variant classified as benign is not then subjected to further curation. The score for this variant resulted in a classification of benign for this disease.

PreventionGenetics, part of Exact Sciences
Classification: Benign. Last evaluated: 2016-03-18. Review status: criteria provided, single submitter. Criteria: ACMG Guidelines, 2015. Collection method: clinical testing. Allele origin: germline.

Eurofins Ntd Llc (ga)
Classification: Benign. Last evaluated: 2015-01-27. Review status: criteria provided, single submitter. Criteria: EGL Classification Definitions 2015. Collection method: clinical testing. Allele origin: germline. Observed: 2 variant alleles, 2 heterozygotes.

Breakthrough Genomics
Classification: Benign. Review status: criteria provided, single submitter. Criteria: ACMG Guidelines, 2015. Collection method: not provided. Allele origin: germline. Inheritance: Autosomal dominant inheritance. Affected: yes.

NM_001374353.1(GLI2):c.2997C>T (p.Asp999=)

Gene: GLI2 (GLI family zinc finger 2; plus strand). Cytogenetic location: 2q14.2.
Variant type: single nucleotide variant.
Coding change: c.2997C>T on transcript NM_001374353.1 (MANE Select); coding-DNA position 2997, C replaced by T.
Protein change: p.Asp999=; no amino-acid change (aspartic acid 999 retained).
Molecular consequence: synonymous variant.
Genome position (GRCh38, 1-based): chr2:120,988,962, C>T. VCF-style: chr2-120988962-C-T. GRCh37 (hg19) VCF-style: chr2-121746538-C-T.
Other names: c.3048C>T, p.Asp1016= (NM_001371271.1, NM_005270.5); c.2622C>T, p.Asp874= (NM_001374354.1).
Identifiers: ClinVar variation 194220 (VCV000194220.24), dbSNP rs140479803, ClinGen allele CA201039.